The following is an entry in ClinVar:

NM_001039374.5(CCDC183):c.162C>T (p.Arg54=)

Gene: CCDC183 (coiled-coil domain containing 183; plus strand). Cytogenetic location: 9q34.3.
Variant type: single nucleotide variant.
Coding change: c.162C>T on transcript NM_001039374.5 (MANE Select); coding-DNA position 162, C replaced by T.
Protein change: p.Arg54=; no amino-acid change (arginine 54 retained).
Molecular consequence: synonymous variant.
Genome position (GRCh38, 1-based): chr9:136,799,193, C>T. VCF-style: chr9-136799193-C-T. GRCh37 (hg19) VCF-style: chr9-139693645-C-T.
Identifiers: ClinVar variation 4084957 (VCV004084957.8).

ClinVar aggregate classification (germline): Likely benign (1 of 4 stars; one submission).

Submission:

CeGaT Center for Human Genetics Tuebingen
Classification: Likely benign. Last evaluated: 2025-07-01. Review status: criteria provided, single submitter. Criteria: CeGaT Center For Human Genetics Tuebingen Variant Classification Criteria Version 2. Collection method: clinical testing. Allele origin: germline. Affected: yes. Observed: 1 variant allele.
Comment: CCDC183: BP4, BP7